The following is an entry in ClinVar:

ClinVar aggregate classification (germline): Likely benign. Review status: criteria provided, multiple submitters, no conflicts (2 of 4 stars). 2 submissions from 2 submitters: Likely benign (2). Last evaluated 2025-02-28.

Conditions:
Birt-Hogg-Dube syndrome 1 (BHD1). Also called: FIBROFOLLICULOMAS WITH TRICHODISCOMAS AND ACROCHORDONS. Identifiers: Orphanet 122, MedGen CN375946, MONDO:0800445, OMIM 135150.
Birt-Hogg-Dube syndrome. Also called: Birt Hogg Dubé syndrome. Identifiers: Orphanet 122, MedGen C0346010, MONDO:0800444.

Submissions (2):

Labcorp Genetics (formerly Invitae), Labcorp
Classification: Likely benign for Birt-Hogg-Dube syndrome. Last evaluated: 2025-02-28. Review status: criteria provided, single submitter. Criteria: Invitae Variant Classification Sherloc (09022015). Collection method: clinical testing. Allele origin: germline.

Myriad Genetics, Inc.
Classification: Likely benign for Birt-Hogg-Dube syndrome 1. Last evaluated: 2024-10-23. Review status: criteria provided, single submitter. Criteria: Myriad Autosomal Dominant, Autosomal Recessive and X-Linked Classification Criteria (2023). Collection method: clinical testing. Allele origin: unknown.
Comment: This variant is considered likely benign. This variant is intronic and is not expected to impact mRNA splicing.

NM_144997.7(FLCN):c.779+8G>C

Gene: FLCN (folliculin; minus strand). Cytogenetic location: 17p11.2.
Variant type: single nucleotide variant.
Coding change: c.779+8G>C on transcript NM_144997.7 (MANE Select); 8 bases into the intron after coding-DNA position 779, G replaced by C.
Molecular consequence: intron variant.
Genome position (GRCh38, 1-based): chr17:17,222,493, C>G on the plus strand (G>C on the coding strand, the complement: FLCN is on the minus strand). VCF-style: chr17-17222493-C-G. GRCh37 (hg19) VCF-style: chr17-17125807-C-G.
Other names: c.779+8G>C (NM_001353231.2, NM_001353230.2, NM_144606.7); c.833+8G>C (NM_001353229.2).
Identifiers: ClinVar variation 1660469 (VCV001660469.9), dbSNP rs1260972155, ClinGen allele CA2573153104.
Genomic context (GRCh38, chr17:17,222,493, plus strand): 5'-ACAAGCCAACCAATGTATCGTGACTGCTCTATCCTAACAGATATGCCAAAAGCAGAGACG[C>G]CCGTTACCAGGCAAAGGAGGTGTGCAGGCACGCCCACAGGTTGTCATCACTTGTCAGCGA-3'